The following is an entry in ClinVar:

ClinVar aggregate classification (germline): Pathogenic. Review status: criteria provided, multiple submitters, no conflicts (2 of 4 stars). 3 submissions from 3 submitters: Pathogenic (3). Last evaluated 2026-01-07.

Conditions:
MYT1L-related neurodevelopmental disorder.
MYT1L-related disorder. Also called: MYT1L-related condition.

Submissions (3):

Rady Children's Institute for Genomic Medicine, Rady Children's Hospital San Diego
Classification: Pathogenic for MYT1L-related neurodevelopmental disorder. Last evaluated: 2026-01-07. Review status: criteria provided, single submitter. Criteria: ACMG Guidelines, 2015. Collection method: clinical testing. Allele origin: germline. Affected: yes.
Comment: This nonsense variant found in exon 9 of 25 is predicted to result in loss of normal protein function through either protein truncation or nonsense-mediated mRNA decay. Loss-of-function variation in MYT1L is an established mechanism of disease (PMID: 34748075). This variant has been previously reported as a de novo change in individuals with intellectual disability, developmental delay, hypotonia, autism spectrum disorder, mild craniofacial dysmorphism, clumsy gait, and joint hypermobility (PMID: 32065501, 34490615). The c.223C>T (p.Arg75Ter) variant is absent from the latest version of the gnomAD population database and thus is presumed to be rare. Based on parental analysis, this variant likely occurred as a de novo event. Based on the available evidence, c.223C>T (p.Arg75Ter) is classified as Pathogenic.

Blueprint Genetics
Classification: Pathogenic for MYT1L-related disorders. Last evaluated: 2024-03-06. Review status: criteria provided, single submitter. Criteria: ACMG Guidelines, 2015. Collection method: clinical testing. Allele origin: de novo. Affected: yes. Observed: 1 variant allele.

GeneDx
Classification: Pathogenic. Last evaluated: 2023-10-08. Review status: criteria provided, single submitter. Criteria: GeneDx Variant Classification Process June 2021. Collection method: clinical testing. Allele origin: germline. Affected: yes.
Comment: Nonsense variant predicted to result in protein truncation or nonsense mediated decay in a gene for which loss-of-function is a known mechanism of disease; Not observed at significant frequency in large population cohorts (gnomAD); This variant is associated with the following publications: (PMID: 34490615, 32065501, 33622623)

Literature cited by the submitters: PubMed 32065501 (cited by Rady Children's Institute for Genomic Medicine, Rady Children's Hospital San Diego); PubMed 34490615 (cited by Rady Children's Institute for Genomic Medicine, Rady Children's Hospital San Diego); PubMed 34748075 (cited by Rady Children's Institute for Genomic Medicine, Rady Children's Hospital San Diego).

NM_001303052.2(MYT1L):c.223C>T (p.Arg75Ter)

Gene: MYT1L (myelin transcription factor 1 like; minus strand). Cytogenetic location: 2p25.3.
Variant type: single nucleotide variant.
Coding change: c.223C>T on transcript NM_001303052.2 (MANE Select); coding-DNA position 223, C replaced by T.
Protein change: p.Arg75Ter; replaces arginine 75 with a stop codon.
Molecular consequence: nonsense.
Genome position (GRCh38, 1-based): chr2:1,943,264, G>A on the plus strand (C>T on the coding strand, the complement: MYT1L is on the minus strand). VCF-style: chr2-1943264-G-A. GRCh37 (hg19) VCF-style: chr2-1947036-G-A.
Other names: c.223C>T, p.Arg75Ter (NM_001329844.2, NM_001329845.1, NM_001329846.3 and 6 more transcripts); short protein forms R75*.
Identifiers: ClinVar variation 2662423 (VCV002662423.4), dbSNP rs1258062046, ClinGen allele CA345714003.